The following is an entry in ClinVar:

NM_004304.5(ALK):c.886G>C (p.Glu296Gln)

Gene: ALK (ALK receptor tyrosine kinase; minus strand). Cytogenetic location: 2p23.2.
Variant type: single nucleotide variant.
Coding change: c.886G>C on transcript NM_004304.5 (MANE Select); coding-DNA position 886, G replaced by C.
Protein change: p.Glu296Gln; replaces glutamic acid 296 with glutamine.
Molecular consequence: missense variant.
Genome position (GRCh38, 1-based): chr2:29,694,916, C>G on the plus strand (G>C on the coding strand, the complement: ALK is on the minus strand). VCF-style: chr2-29694916-C-G. GRCh37 (hg19) VCF-style: chr2-29917782-C-G.
Other names: short protein forms E296Q.
Identifiers: ClinVar variation 656385 (VCV000656385.10), dbSNP rs56077855, ClinGen allele CA1594828.

ClinVar aggregate classification (germline): Uncertain significance. Review status: criteria provided, multiple submitters, no conflicts (2 of 4 stars). 2 submissions from 2 submitters: Uncertain significance (2). Last evaluated 2025-11-16.

Conditions:
Hereditary cancer-predisposing syndrome. Also called: Neoplastic Syndromes, Hereditary; Hereditary neoplastic syndrome; Hereditary Cancer Syndrome; Tumor predisposition. Identifiers: Orphanet 140162, MedGen C0027672, MeSH D009386, MONDO:0015356.
Neuroblastoma, susceptibility to, 3. Also called: ALK-Related Neuroblastic Tumor Susceptibility. Identifiers: Orphanet 635, MedGen C2751681, MONDO:0013083, OMIM 613014.

Allele frequency attached by ClinVar (database versions not stated): TOPMed 0.00001; 1000 Genomes Project 30x 0.00031; 1000 Genomes Project 0.00040.
gnomAD v4.1: 6 of 1,614,106 alleles (0.00037%); highest among the groups gnomAD compares: East Asian, 0.011%; no homozygotes.

Submissions (2):

Labcorp Genetics (formerly Invitae), Labcorp
Classification: Uncertain significance for Neuroblastoma, susceptibility to, 3. Last evaluated: 2025-11-16. Review status: criteria provided, single submitter. Criteria: Invitae Variant Classification Sherloc (09022015). Collection method: clinical testing. Allele origin: germline.
Comment: This sequence change replaces glutamic acid, which is acidic and polar, with glutamine, which is neutral and polar, at codon 296 of the ALK protein (p.Glu296Gln). This variant is present in population databases (rs56077855, gnomAD 0.01%). This variant has not been reported in the literature in individuals affected with ALK-related conditions. ClinVar contains an entry for this variant (Variation ID: 656385). An algorithm developed to predict the effect of missense changes on protein structure and function (PolyPhen-2) suggests that this variant is likely to be disruptive. In summary, the available evidence is currently insufficient to determine the role of this variant in disease. Therefore, it has been classified as a Variant of Uncertain Significance.

Ambry Genetics
Classification: Uncertain significance for Hereditary cancer-predisposing syndrome. Last evaluated: 2025-02-03. Review status: criteria provided, single submitter. Criteria: Ambry Variant Classification Scheme 2023. Collection method: clinical testing. Allele origin: germline.
Comment: The p.E296Q variant (also known as c.886G>C), located in coding exon 3 of the ALK gene, results from a G to C substitution at nucleotide position 886. The glutamic acid at codon 296 is replaced by glutamine, an amino acid with highly similar properties. This amino acid position is conserved. In addition, this alteration is predicted to be tolerated by in silico analysis. Based on the available evidence, the clinical significance of this variant remains unclear.